The following is an entry in ClinVar:

ClinVar aggregate classification (germline): Conflicting classifications of pathogenicity. Review status: criteria provided, conflicting classifications (1 of 4 stars). 3 submissions from 3 submitters: Uncertain significance (1); Benign (1); Likely benign (1). Last evaluated 2024-04-12.

Conditions:
Breast-ovarian cancer, familial, susceptibility to, 1 (BROVCA1). Also called: BRCA1 Hereditary Breast and Ovarian Cancer; OVARIAN CANCER, SUSCEPTIBILITY TO. Identifiers: Orphanet 145, MedGen C2676676, MONDO:0011450, OMIM 604370. Disease mechanism: loss of function.
Hereditary breast ovarian cancer syndrome. Also called: Hereditary breast and ovarian cancer; Hereditary breast and ovarian cancer syndrome; Hereditary breast and ovarian cancer syndrome (HBOC); Breast and ovarian cancer; BRCA1- and BRCA2-Associated Hereditary Breast and Ovarian Cancer; Hereditary breast and/or ovarian cancer syndrome. Identifiers: Orphanet 145, MedGen C0677776, MeSH D061325, MONDO:0003582. Disease mechanism: loss of function.
Hereditary cancer-predisposing syndrome. Also called: Tumor predisposition; Neoplastic Syndromes, Hereditary; Hereditary Cancer Syndrome; Hereditary neoplastic syndrome. Identifiers: Orphanet 140162, MedGen C0027672, MeSH D009386, MONDO:0015356.

Allele frequency attached by ClinVar (database versions not stated): gnomAD 0.00001.
gnomAD v4.1: 1 of 1,613,828 alleles (0.000062%); highest among the groups gnomAD compares: Non-Finnish European, 0.000085%; no homozygotes.

Submissions (4):

Lupski Lab, Baylor-Hopkins CMG, Baylor College of Medicine
Classification: Benign for Breast-ovarian cancer, familial, susceptibility to, 1. Last evaluated: 2024-04-12. Review status: criteria provided, single submitter. Criteria: Dawood et al. (medRxiv. 2024). Collection method: curation. Allele origin: germline.
Comment: Each variant was annotated with functional scores from MAVE data which was translated into functional evidence codes. All other evidence codes and combining criteria were adhered to as closely as possible based on the ClinGen VCEP (Variant Curation Expert Panel) gene-specific recommendations. See Supplemental Figure 34 of final paper (Supp Fig. 28 in preprint: doi:10.1101/2024.04.11.24305690) for a table to see which lines of evidence we did not have data for. The ClinGen VCEPs are highly regarded as the gold-standard for gene-specific variant curation and are developed after extensive evaluation of the evidence by clinical and scientific experts for the particular gene to classify genomic variants on a spectrum from pathogenic to benign using the 2015 ACMG/AMP Variant Interpretation Guidelines as a backbone (PMID: 25741868). Reclassification of these VUS variants from gnomAD or All of Us focused only on variants originally prescribed as VUS in ClinVar. To ensure reproducibility, transparency, and increased throughput, all the procedures for annotating variants and assigning evidence codes were codified using Python. All code has been made freely available and is linked in the Code Availability section and all reclassified variants with evidence codes used can be found in Tables S18-19 (preprint: doi:10.1101/2024.04.11.24305690). For the MAVE data, the clinical curation and clinical strength assignment as per the ClinGen recommendations in Brnich et al. (2020) (PMID: 31892348) for or against pathogenicity or benignity of each of these MAVE datasets utilized in this study were previously published in Fayer et al. (2021) (PMID: 34793697).In brief, for BRCA1 variants, if a variant was categorized as FUNC (functional), it was assigned BS3 evidence and no PS3 evidence, whereas if it was categorized as LOF (loss of function), the variant was assigned PS3 evidence and no BS3 evidence. Variants categorized as INT (intermediate) were left unannotated. For the BRCA1 combining criteria, greater than or equal to 1 criteria of strong benign evidence was enough to reclassify the VUS as Likely Benign. This variant GRCh37:17:41197747:C>A was assigned evidence codes ['BS3', 'BP1_Strong'] and an overall classification of Benign

Ambry Genetics
Classification: Likely benign for Hereditary cancer-predisposing syndrome. Last evaluated: 2023-03-31. Review status: criteria provided, single submitter. Criteria: Ambry Variant Classification Scheme 2023. Collection method: clinical testing. Allele origin: germline.

Labcorp Genetics (formerly Invitae), Labcorp
Classification: Uncertain significance for Hereditary breast ovarian cancer syndrome. Last evaluated: 2022-07-19. Review status: criteria provided, single submitter. Criteria: Invitae Variant Classification Sherloc (09022015). Collection method: clinical testing. Allele origin: germline.
Comment: In summary, the available evidence is currently insufficient to determine the role of this variant in disease. Therefore, it has been classified as a Variant of Uncertain Significance. Experimental studies have shown that this missense change does not substantially affect BRCA1 function (PMID: 30209399). Advanced modeling of experimental studies (such as gene expression, population dynamics, functional pathways, and cell-cycle effects in cell culture) performed at Invitae indicates that this missense variant is not expected to disrupt BRCA1 protein function. ClinVar contains an entry for this variant (Variation ID: 582037). This variant has not been reported in the literature in individuals affected with BRCA1-related conditions. This variant is present in population databases (no rsID available, gnomAD 0.007%). This sequence change replaces cysteine, which is neutral and slightly polar, with phenylalanine, which is neutral and non-polar, at codon 1847 of the BRCA1 protein (p.Cys1847Phe).

Brotman Baty Institute, University of Washington
No classification provided (evidence only). Condition: Breast-ovarian cancer, familial 1. Review status: no classification provided. Collection method: in vitro. Allele origin: not applicable. Functional consequence: functionally_normal. Not counted in ClinVar's aggregate classification.
ClinVar note: "not provided" was previously submitted as the classification for the variant. However, the classification appeared to be based only on an observation of functional data so it was converted to no classification on 2025-07-30.

Literature cited by the submitters: PubMed 39142283 (cited by Lupski Lab, Baylor-Hopkins CMG, Baylor College of Medicine); PubMed 34793697 (cited by Lupski Lab, Baylor-Hopkins CMG, Baylor College of Medicine); DOI 10.1101/2024.04.11.24305690 (cited by Lupski Lab, Baylor-Hopkins CMG, Baylor College of Medicine); PubMed 30209399 (cited by Ambry Genetics and Labcorp Genetics (formerly Invitae), Labcorp).

NM_007294.4(BRCA1):c.5540G>T (p.Cys1847Phe)

Gene: BRCA1 (BRCA1 DNA repair associated; minus strand). Cytogenetic location: 17q21.31.
Variant type: single nucleotide variant.
Coding change: c.5540G>T on transcript NM_007294.4 (MANE Select); coding-DNA position 5540, G replaced by T.
Protein change: p.Cys1847Phe; replaces cysteine 1847 with phenylalanine.
Molecular consequence: missense variant. On other transcripts: 3 prime UTR variant (1), non-coding transcript variant (1).
Genome position (GRCh38, 1-based): chr17:43,045,730, C>A on the plus strand (G>T on the coding strand, the complement: BRCA1 is on the minus strand). VCF-style: chr17-43045730-C-A. GRCh37 (hg19) VCF-style: chr17-41197747-C-A.
Other names: c.5327G>T, p.Cys1776Phe (NM_001407571.1, NM_001407894.1, NM_001407895.1 and 12 more transcripts); c.5606G>T, p.Cys1869Phe (NM_001407581.1, NM_001407582.1); c.5603G>T, p.Cys1868Phe (NM_001407583.1, NM_001407585.1, NM_001407587.1 and 1 more transcripts); c.5600G>T, p.Cys1867Phe (NM_001407590.1, NM_001407591.1); c.5540G>T, p.Cys1847Phe (NM_001407593.1, NM_001407594.1, NM_001407596.1 and 5 more transcripts); c.5159G>T, p.Cys1720Phe (NM_001407959.1); c.5156G>T, p.Cys1719Phe (NM_001407960.1, NM_001407962.1); c.5153G>T, p.Cys1718Phe (NM_001407963.1); and 74 more; short protein forms C1847F, C1800F, C1868F, C743F, C1718F, C1734F, C1736F, C1763F.
Identifiers: ClinVar variation 582037 (VCV000582037.15), dbSNP rs1182000313, ClinGen allele CA10590241.
Genomic context (GRCh38, chr17:43,045,730, plus strand): 5'-GGCTGCAGTCAGTAGTGGCTGTGGGGGATCTGGGGTATCAGGTAGGTGTCCAGCTCCTGG[C>A]ACTGGTAGAGTGCTACACTGTCCAACACCCACTCTCGGGTCACCACAGGTGCCTCACACA-3'
Protein context (NP_009225.1, residues 1837-1857): WVLDSVALYQ[Cys1847Phe]QELDTYLIPQ